The following is an entry in ClinVar:

ClinVar aggregate classification (germline): Likely pathogenic (1 of 4 stars; one submission).

Conditions:
HNSHA due to aldolase A deficiency (GSD12). Also called: GLYCOGEN STORAGE DISEASE XII; GSD XII; RED CELL ALDOLASE DEFICIENCY; Glycogen storage disease due to aldolase A deficiency. Identifiers: Orphanet 57, MedGen C0272066, MONDO:0012747, OMIM 611881.

Allele frequency attached by ClinVar (database versions not stated): gnomAD exomes 0.00001; TOPMed 0.00002.
gnomAD v4.1: 6 of 1,614,088 alleles (0.00037%); highest among the groups gnomAD compares: Non-Finnish European, 0.00051%; no homozygotes.

Submission:

Labcorp Genetics (formerly Invitae), Labcorp
Classification: Likely pathogenic for HNSHA due to aldolase A deficiency. Last evaluated: 2024-05-14. Review status: criteria provided, single submitter. Criteria: Invitae Variant Classification Sherloc (09022015). Collection method: clinical testing. Allele origin: germline.
Comment: This sequence change affects an acceptor splice site in intron 11 of the ALDOA gene. It is expected to disrupt RNA splicing. Variants that disrupt the donor or acceptor splice site typically lead to a loss of protein function (PMID: 16199547), and loss-of-function variants in ALDOA are known to be pathogenic (PMID: 2825199, 14615364). This variant is not present in population databases (gnomAD no frequency). This variant has not been reported in the literature in individuals affected with ALDOA-related conditions. Algorithms developed to predict the effect of sequence changes on RNA splicing suggest that this variant may disrupt the consensus splice site. In summary, the currently available evidence indicates that the variant is pathogenic, but additional data are needed to prove that conclusively. Therefore, this variant has been classified as Likely Pathogenic.

Literature cited by the submitters: PubMed 16199547; PubMed 2825199; PubMed 14615364.

NM_001243177.4(ALDOA):c.787-2A>G

Genes: ALDOA (aldolase, fructose-bisphosphate A; plus strand), LOC112694756 (uncharaterized LOC112694756; plus strand). Cytogenetic location: 16p11.2.
Variant type: single nucleotide variant.
Coding change: c.787-2A>G on transcript NM_001243177.4 (MANE Select); the canonical splice acceptor site of the intron before coding-DNA position 787, A replaced by G.
Molecular consequence: splice acceptor variant.
Genome position (GRCh38, 1-based): chr16:30,069,497, A>G. VCF-style: chr16-30069497-A-G. GRCh37 (hg19) VCF-style: chr16-30080818-A-G.
Other names: c.*1134-2A>G (NM_001365307.2, NM_001365305.2, NM_001365304.2); c.625-2A>G (NM_184043.2, NM_001127617.2, NM_184041.5).
Identifiers: ClinVar variation 3013293 (VCV003013293.3), dbSNP rs1340894214, ClinGen allele CA395491297.